The following is an entry in ClinVar:

ClinVar aggregate classification (germline): Uncertain significance. Review status: criteria provided, multiple submitters, no conflicts (2 of 4 stars). 3 submissions from 3 submitters: Uncertain significance (3). Last evaluated 2025-09-24.

Conditions:
Rhabdomyosarcoma, embryonal, 2 (RMSE2). Identifiers: MedGen C1867234, MONDO:0859046, OMIM 180295.
Euthyroid goiter (MNG1). Also called: Goiter, multinodular 1, with or without Sertoli-Leydig cell tumors; GOITER, NONTOXIC, WITH INTRATHYROIDAL CALCIFICATION; MULTINODULAR GOITER, ADOLESCENT; SIMPLE GOITER. Identifiers: Orphanet 276399, MedGen C0302859, MONDO:0007681, OMIM 138800, HP:0009798.
DICER1-related tumor predisposition. Also called: DICER1-related pleuropulmonary blastoma cancer predisposition syndrome; DICER1 syndrome. Identifiers: Orphanet 284343, MedGen C3839822, MONDO:0100216.
Hereditary cancer-predisposing syndrome. Also called: Hereditary neoplastic syndrome; Neoplastic Syndromes, Hereditary; Tumor predisposition; Hereditary Cancer Syndrome. Identifiers: Orphanet 140162, MedGen C0027672, MeSH D009386, MONDO:0015356.

Allele frequency attached by ClinVar (database versions not stated): gnomAD exomes 0.00001; TOPMed 0.00001; gnomAD 0.00003.
gnomAD v4.1: 10 of 1,613,596 alleles (0.00062%); highest among the groups gnomAD compares: Non-Finnish European, 0.00076%; no homozygotes.

Submissions (3):

Labcorp Genetics (formerly Invitae), Labcorp
Classification: Uncertain significance for DICER1-related tumor predisposition. Last evaluated: 2025-09-24. Review status: criteria provided, single submitter. Criteria: Invitae Variant Classification Sherloc (09022015). Collection method: clinical testing. Allele origin: germline.
Comment: This sequence change replaces lysine, which is basic and polar, with methionine, which is neutral and non-polar, at codon 120 of the DICER1 protein (p.Lys120Met). This variant is present in population databases (no rsID available, gnomAD 0.01%). This variant has not been reported in the literature in individuals affected with DICER1-related conditions. ClinVar contains an entry for this variant (Variation ID: 412081). Invitae Evidence Modeling of protein sequence and biophysical properties (such as structural, functional, and spatial information, amino acid conservation, physicochemical variation, residue mobility, and thermodynamic stability) indicates that this missense variant is not expected to disrupt DICER1 protein function with a negative predictive value of 95%. In summary, the available evidence is currently insufficient to determine the role of this variant in disease. Therefore, it has been classified as a Variant of Uncertain Significance.

Ambry Genetics
Classification: Uncertain significance for Hereditary cancer-predisposing syndrome. Last evaluated: 2024-03-25. Review status: criteria provided, single submitter. Criteria: Ambry Variant Classification Scheme 2023. Collection method: clinical testing. Allele origin: germline.
Comment: The p.K120M variant (also known as c.359A>T), located in coding exon 3 of the DICER1 gene, results from an A to T substitution at nucleotide position 359. The lysine at codon 120 is replaced by methionine, an amino acid with similar properties. This amino acid position is highly conserved in available vertebrate species. In addition, the in silico prediction for this alteration is inconclusive. Since supporting evidence is limited at this time, the clinical significance of this alteration remains unclear.

Fulgent Genetics
Classification: Uncertain significance for Euthyroid goiter; Rhabdomyosarcoma, embryonal, 2; Pleuropulmonary blastoma. Last evaluated: 2018-10-31. Review status: criteria provided, single submitter. Criteria: ACMG Guidelines, 2015. Collection method: clinical testing. Allele origin: unknown.

NM_177438.3(DICER1):c.359A>T (p.Lys120Met)

Gene: DICER1 (dicer 1, ribonuclease III; minus strand). Cytogenetic location: 14q32.13.
Variant type: single nucleotide variant.
Coding change: c.359A>T on transcript NM_177438.3 (MANE Select); coding-DNA position 359, A replaced by T.
Protein change: p.Lys120Met; replaces lysine 120 with methionine.
Molecular consequence: missense variant.
Genome position (GRCh38, 1-based): chr14:95,131,588, T>A on the plus strand (A>T on the coding strand, the complement: DICER1 is on the minus strand). VCF-style: chr14-95131588-T-A. GRCh37 (hg19) VCF-style: chr14-95597925-T-A.
Other names: c.359A>T, p.Lys120Met (NM_001195573.1, NM_001271282.3, NM_001291628.2 and 1 more transcripts); short protein forms K120M.
Identifiers: ClinVar variation 412081 (VCV000412081.19), dbSNP rs1060503608, ClinGen allele CA16614428.